The following is an entry in ClinVar:

NM_015166.4(MLC1):c.62dup (p.Arg22fs)

Gene: MLC1 (modulator of VRAC current 1; minus strand). Cytogenetic location: 22q13.33.
Variant type: Duplication.
Coding change: c.62dup on transcript NM_015166.4 (MANE Select); coding-DNA position 62, one base duplicated (G; older notation c.62dupG).
Protein change: p.Arg22fs; shifts the reading frame from arginine 22.
Molecular consequence: frameshift variant. On other transcripts: non-coding transcript variant (3), intron variant (1).
Genome position (GRCh38, 1-based): chr22:50,084,841, C duplicated on the plus strand (G on the coding strand, the reverse complement: MLC1 is on the minus strand); the first of 4 consecutive C bases (chr22:50,084,841-50,084,844); duplicating any one gives the same sequence. VCF-style (leftmost placement, unchanged base first): chr22-50084840-G-GC. GRCh37 (hg19) VCF-style: chr22-50523269-G-GC.
Other names: c.62dup, p.Arg22fs (NM_001376472.1, NM_001376473.1, NM_001376474.1 and 10 more transcripts); c.-59+514dup (NM_001376484.1); short protein forms R22fs.
Identifiers: ClinVar variation 5012212 (VCV005012212.1).

ClinVar aggregate classification (germline): Pathogenic (1 of 4 stars; one submission).

Conditions:
Megalencephalic leukoencephalopathy with subcortical cysts 1 (MLC1). Also called: LEUKOENCEPHALOPATHY WITH SWELLING AND CYSTS; VACUOLATING MEGALENCEPHALIC LEUKOENCEPHALOPATHY WITH SUBCORTICAL CYSTS. Identifiers: Orphanet 2478, MedGen C5779875, MONDO:0024555, OMIM 604004.

Submission:

Myriad Genetics, Inc.
Classification: Pathogenic for Megalencephalic leukoencephalopathy with subcortical cysts 1. Last evaluated: 2023-09-27. Review status: criteria provided, single submitter. Criteria: Myriad Autosomal Dominant, Autosomal Recessive and X-Linked Classification Criteria (2023). Collection method: clinical testing. Allele origin: unknown.
Comment: NM_015166.3(MLC1):c.62dupG(R22Pfs*58) is expected to be pathogenic in the context of megalencephalic leukoencephalopathy with subcortical cysts. This variant is predicted to lead to an abnormal or absent protein product due to the creation of a premature termination codon in MLC1, a gene where loss-of-function variants are known to be pathogenic. Please note: this variant was assessed in the context of healthy population screening.